The following is an entry in ClinVar:

NM_001112726.3(CEP170B):c.2075C>T (p.Ser692Phe)

Gene: CEP170B (centrosomal protein 170B; plus strand). Cytogenetic location: 14q32.33.
Variant type: single nucleotide variant.
Coding change: c.2075C>T on transcript NM_001112726.3 (MANE Select); coding-DNA position 2075, C replaced by T.
Protein change: p.Ser692Phe; replaces serine 692 with phenylalanine.
Molecular consequence: missense variant.
Genome position (GRCh38, 1-based): chr14:104,886,314, C>T. VCF-style: chr14-104886314-C-T. GRCh37 (hg19) VCF-style: chr14-105352651-C-T.
Other names: c.1865C>T, p.Ser622Phe (NM_015005.3); short protein forms S622F, S692F.
Identifiers: ClinVar variation 3038131 (VCV003038131.2), dbSNP rs62641737, ClinGen allele CA7375766.

ClinVar aggregate classification (germline): Benign (0 of 4 stars; one submission).

Conditions:
CEP170B-related disorder. Also called: CEP170B-related condition.

Allele frequency attached by ClinVar (database versions not stated): ESP Exome Variant Server 0.02797; gnomAD exomes 0.04168; ExAC 0.05189; 1000 Genomes Project 0.01138; 1000 Genomes Project 30x 0.01265; TOPMed 0.02625; gnomAD 0.02774.
gnomAD v4.1: 61,785 of 1,544,872 alleles (4%); highest among the groups gnomAD compares: Non-Finnish European, 4.8%; 1,479 homozygotes.

Submission:

PreventionGenetics, part of Exact Sciences
Classification: Benign for CEP170B-related condition. Last evaluated: 2019-09-25. Review status: no assertion criteria provided. Collection method: clinical testing. Allele origin: germline.
Comment: This variant is classified as benign based on ACMG/AMP sequence variant interpretation guidelines (Richards et al. 2015 PMID: 25741868, with internal and published modifications).